The following is an entry in ClinVar:

ClinVar aggregate classification (germline): Uncertain significance (1 of 4 stars; one submission).

Conditions:
Inborn genetic diseases. Identifiers: MedGen C0950123, MeSH D030342.

Submission:

Ambry Genetics
Classification: Uncertain significance for Inborn genetic diseases. Last evaluated: 2025-11-04. Review status: criteria provided, single submitter. Criteria: Ambry Variant Classification Scheme 2023. Collection method: clinical testing. Allele origin: germline.
Comment: The p.A480D variant (also known as c.1439C>A), located in coding exon 13 of the AKT1 gene, results from a C to A substitution at nucleotide position 1439. The alanine at codon 480 is replaced by aspartic acid, an amino acid with dissimilar properties. This amino acid position is conserved. In addition, the in silico prediction for this alteration is inconclusive. Based on the available evidence, the clinical significance of this variant remains unclear.

NM_001382430.1(AKT1):c.1439C>A (p.Ala480Asp)

Gene: AKT1 (AKT serine/threonine kinase 1; minus strand). Cytogenetic location: 14q32.33.
Variant type: single nucleotide variant.
Coding change: c.1439C>A on transcript NM_001382430.1 (MANE Select); coding-DNA position 1439, C replaced by A.
Protein change: p.Ala480Asp; replaces alanine 480 with aspartic acid.
Molecular consequence: missense variant.
Genome position (GRCh38, 1-based): chr14:104,770,345, G>T on the plus strand (C>A on the coding strand, the complement: AKT1 is on the minus strand). VCF-style: chr14-104770345-G-T. GRCh37 (hg19) VCF-style: chr14-105236682-G-T.
Other names: c.1439C>A, p.Ala480Asp (NM_001014431.2, NM_001014432.2, NM_001382431.1 and 3 more transcripts); short protein forms A480D.
Identifiers: ClinVar variation 4574077 (VCV004574077.1).